The following is an entry in ClinVar:

NM_001256627.2(BRSK2):c.813-8G>A

Gene: BRSK2 (BR serine/threonine kinase 2; plus strand). Cytogenetic location: 11p15.5.
Variant type: single nucleotide variant.
Coding change: c.813-8G>A on transcript NM_001256627.2 (MANE Select); 8 bases into the intron before coding-DNA position 813, G replaced by A.
Molecular consequence: intron variant.
Genome position (GRCh38, 1-based): chr11:1,445,286, G>A. VCF-style: chr11-1445286-G-A. GRCh37 (hg19) VCF-style: chr11-1466516-G-A.
Other names: c.813-8G>A (NM_001256629.2, NM_003957.4); c.633-8G>A (NM_001282218.2); c.951-8G>A (NM_001256630.1).
Identifiers: ClinVar variation 3041378 (VCV003041378.2), dbSNP rs751578847, ClinGen allele CA5810715.

ClinVar aggregate classification (germline): Likely benign (0 of 4 stars; one submission).

Conditions:
BRSK2-related disorder. Also called: BRSK2-related condition; BRSK2-Related Disorders.

Allele frequency attached by ClinVar (database versions not stated): ExAC 0.00002; gnomAD exomes 0.00002.
gnomAD v4.1: 11 of 1,602,434 alleles (0.00069%); highest among the groups gnomAD compares: South Asian, 0.0089%; no homozygotes.

Submission:

PreventionGenetics, part of Exact Sciences
Classification: Likely benign for BRSK2-related condition. Last evaluated: 2019-05-08. Review status: no assertion criteria provided. Collection method: clinical testing. Allele origin: germline.
Comment: This variant is classified as likely benign based on ACMG/AMP sequence variant interpretation guidelines (Richards et al. 2015 PMID: 25741868, with internal and published modifications).